The following is an entry in ClinVar:

NM_017777.4(MKS1):c.432G>A (p.Met144Ile)

Gene: MKS1 (MKS transition zone complex subunit 1; minus strand). Cytogenetic location: 17q22.
Variant type: single nucleotide variant.
Coding change: c.432G>A on transcript NM_017777.4 (MANE Select); coding-DNA position 432, G replaced by A.
Protein change: p.Met144Ile; replaces methionine 144 with isoleucine.
Molecular consequence: missense variant. On other transcripts: intron variant (1).
Genome position (GRCh38, 1-based): chr17:58,214,824, C>T on the plus strand (G>A on the coding strand, the complement: MKS1 is on the minus strand). VCF-style: chr17-58214824-C-T. GRCh37 (hg19) VCF-style: chr17-56292185-C-T.
Other names: c.432G>A, p.Met144Ile (NM_001321269.2, NM_001330397.2, NM_001411113.1); c.-94-437G>A (NM_001321268.2); short protein forms M144I.
Identifiers: ClinVar variation 3356051 (VCV003356051.1).
Genomic context (GRCh38, chr17:58,214,824, plus strand): 5'-ACGCCTGACATTTGCCATTCGCTCGACCAAGAATGAAGGCACCTCGCTGGCTGCAGTGGT[C>T]ATTCTCTGACAGTGCTGGGAAAAGCAAGCAGCCCTGTGTACGCCATCTGGTCAGGGCCAC-3'
Protein context (NP_060247.2, residues 134-154): YTNLEEHCQR[Met144Ile]TTAASEVPSF

ClinVar aggregate classification (germline): Uncertain significance (0 of 4 stars; one submission).

Conditions:
MKS1-related disorder. Also called: MKS1-related condition; MKS1-related disorders. Identifiers: MedGen CN239382.

Submission:

PreventionGenetics, part of Exact Sciences
Classification: Uncertain significance for MKS1-related condition. Last evaluated: 2024-02-14. Review status: no assertion criteria provided. Collection method: clinical testing. Allele origin: germline.
Comment: The MKS1 c.432G>A variant is predicted to result in the amino acid substitution p.Met144Ile. To our knowledge, this variant has not been reported in the literature or in a large population database, indicating this variant is rare. At this time, the clinical significance of this variant is uncertain due to the absence of conclusive functional and genetic evidence.